The following is an entry in ClinVar:

ClinVar aggregate classification (germline): Uncertain significance (1 of 4 stars; one submission).

gnomAD v4.1: 15 of 1,612,906 alleles (0.00093%); highest among the groups gnomAD compares: South Asian, 0.016%; no homozygotes.

Submission:

GeneDx
Classification: Uncertain significance. Last evaluated: 2024-12-04. Review status: criteria provided, single submitter. Criteria: GeneDx Variant Classification Process June 2021. Collection method: clinical testing. Allele origin: germline. Affected: yes.
Comment: Not observed at significant frequency in large population cohorts (gnomAD); In silico analysis indicates that this missense variant does not alter protein structure/function; Has not been previously published as pathogenic or benign to our knowledge

NM_016239.4(MYO15A):c.3310G>A (p.Gly1104Ser)

Gene: MYO15A (myosin XVA; plus strand). Cytogenetic location: 17p11.2.
Variant type: single nucleotide variant.
Coding change: c.3310G>A on transcript NM_016239.4 (MANE Select); coding-DNA position 3310, G replaced by A.
Protein change: p.Gly1104Ser; replaces glycine 1104 with serine.
Molecular consequence: missense variant.
Genome position (GRCh38, 1-based): chr17:18,122,110, G>A. VCF-style: chr17-18122110-G-A. GRCh37 (hg19) VCF-style: chr17-18025424-G-A.
Other names: short protein forms G1104S.
Identifiers: ClinVar variation 3901500 (VCV003901500.1).